The following is an entry in ClinVar:

NM_007078.3(LDB3):c.1298C>T (p.Pro433Leu)

Gene: LDB3 (LIM domain binding 3; plus strand). Cytogenetic location: 10q23.2.
Variant type: single nucleotide variant.
Coding change: c.1298C>T on transcript NM_007078.3 (MANE Select); coding-DNA position 1298, C replaced by T.
Protein change: p.Pro433Leu; replaces proline 433 with leucine.
Molecular consequence: missense variant.
Genome position (GRCh38, 1-based): chr10:86,716,393, C>T. VCF-style: chr10-86716393-C-T. GRCh37 (hg19) VCF-style: chr10-88476150-C-T.
Other names: c.968C>T, p.Pro323Leu (NM_001080114.2); c.1313C>T, p.Pro438Leu (NM_001171610.2); c.1109C>T, p.Pro370Leu (NM_001368064.1, NM_001368065.1); c.1157C>T, p.Pro386Leu (NM_001368066.1); c.1298C>T (NM_007078.2); short protein forms P370L, P323L, P386L, P433L, P438L.
Identifiers: ClinVar variation 1414295 (VCV001414295.8), dbSNP rs776138543, ClinGen allele CA5585124.

ClinVar aggregate classification (germline): Uncertain significance. Review status: criteria provided, multiple submitters, no conflicts (2 of 4 stars). 2 submissions from 2 submitters: Uncertain significance (2). Last evaluated 2023-02-23.

Conditions:
Cardiovascular phenotype. Identifiers: MedGen CN230736.
Myofibrillar myopathy 4. Also called: Zaspopathy (type). Identifiers: Orphanet 98912, MedGen C4721886, MONDO:0012277, OMIM 609452.

Allele frequency attached by ClinVar (database versions not stated): gnomAD exomes below 0.00001; ExAC 0.00001; gnomAD 0.00001.
gnomAD v4.1: 1 of 1,551,090 alleles (0.000064%); no homozygotes.

Submissions (2):

Ambry Genetics
Classification: Uncertain significance for Cardiovascular phenotype. Last evaluated: 2023-02-23. Review status: criteria provided, single submitter. Criteria: Ambry Variant Classification Scheme 2023. Collection method: clinical testing. Allele origin: germline.
Comment: The p.P433L variant (also known as c.1298C>T), located in coding exon 9 of the LDB3 gene, results from a C to T substitution at nucleotide position 1298. The proline at codon 433 is replaced by leucine, an amino acid with similar properties. This amino acid position is conserved. In addition, this alteration is predicted to be tolerated by in silico analysis. Since supporting evidence is limited at this time, the clinical significance of this alteration remains unclear.

Labcorp Genetics (formerly Invitae), Labcorp
Classification: Uncertain significance for Myofibrillar myopathy 4. Last evaluated: 2022-08-15. Review status: criteria provided, single submitter. Criteria: Invitae Variant Classification Sherloc (09022015). Collection method: clinical testing. Allele origin: germline.
Comment: This sequence change replaces proline, which is neutral and non-polar, with leucine, which is neutral and non-polar, at codon 433 of the LDB3 protein (p.Pro433Leu). The frequency data for this variant in the population databases is considered unreliable, as metrics indicate poor data quality at this position in the gnomAD database. This variant has not been reported in the literature in individuals affected with LDB3-related conditions. Experimental studies and prediction algorithms are not available or were not evaluated, and the functional significance of this variant is currently unknown. In summary, the available evidence is currently insufficient to determine the role of this variant in disease. Therefore, it has been classified as a Variant of Uncertain Significance. The LDB3 gene has multiple clinically relevant transcripts. This variant occurs in alternate transcript NM_007078.3, and corresponds to NM_001080116.1:c.*17019C>T in the primary transcript.